The following is an entry in ClinVar:

NC_000003.11:g.(?_193332492)_(193409916_?)del

Gene: OPA1 (OPA1 mitochondrial dynamin like GTPase; plus strand). Cytogenetic location: 3q29.
Variant type: Deletion.
Identifiers: ClinVar variation 1458112 (VCV001458112.5).

ClinVar aggregate classification (germline): Pathogenic (1 of 4 stars; one submission).

Submission:

Labcorp Genetics (formerly Invitae), Labcorp
Classification: Pathogenic. Last evaluated: 2023-06-30. Review status: criteria provided, single submitter. Criteria: Invitae Variant Classification Sherloc (09022015). Collection method: clinical testing. Allele origin: germline.
Comment: For these reasons, this variant has been classified as Pathogenic. This variant disrupts a region of the OPA1 protein in which other variant(s) (p.Asp950Cysfs*4) have been determined to be pathogenic (PMID: 17188070). This suggests that this is a clinically significant region of the protein, and that variants that disrupt it are likely to be disease-causing. This variant has not been reported in the literature in individuals affected with OPA1-related conditions. This variant is a gross deletion of the genomic region encompassing exon(s) 2-28 of the OPA1 gene. While this deletion is not anticipated to lead to nonsense mediated decay, it is expected to disrupt the C-terminus of the protein.

Literature cited by the submitters: PubMed 17188070.